The following is an entry in ClinVar:

ClinVar aggregate classification (germline): Uncertain significance. Review status: criteria provided, multiple submitters, no conflicts (2 of 4 stars). 2 submissions from 2 submitters: Uncertain significance (2). Last evaluated 2022-08-17.

Conditions:
Nephronophthisis 14 (NPHP14). Identifiers: Orphanet 2318, MedGen C3539071, MONDO:0013916, OMIM 614844.

Allele frequency attached by ClinVar (database versions not stated): ExAC 0.00001; gnomAD 0.00002; gnomAD exomes 0.00002 and 0.00004; TOPMed 0.00002; ESP Exome Variant Server 0.00008.
gnomAD v4.1: 61 of 1,613,976 alleles (0.0038%); highest among the groups gnomAD compares: Non-Finnish European, 0.005%; no homozygotes.

Submissions (2):

Ambry Genetics
Classification: Uncertain significance. Last evaluated: 2022-08-17. Review status: criteria provided, single submitter. Criteria: Ambry Variant Classification Scheme 2023. Collection method: clinical testing. Allele origin: germline.

Labcorp Genetics (formerly Invitae), Labcorp
Classification: Uncertain significance for Nephronophthisis 14. Last evaluated: 2022-07-05. Review status: criteria provided, single submitter. Criteria: Invitae Variant Classification Sherloc (09022015). Collection method: clinical testing. Allele origin: germline.
Comment: ClinVar contains an entry for this variant (Variation ID: 836313). Algorithms developed to predict the effect of missense changes on protein structure and function are either unavailable or do not agree on the potential impact of this missense change (SIFT: "Deleterious"; PolyPhen-2: "Probably Damaging"; Align-GVGD: "Class C0"). In summary, the available evidence is currently insufficient to determine the role of this variant in disease. Therefore, it has been classified as a Variant of Uncertain Significance. This sequence change replaces proline, which is neutral and non-polar, with leucine, which is neutral and non-polar, at codon 566 of the ZNF423 protein (p.Pro566Leu). This variant is present in population databases (rs369783460, gnomAD 0.004%). This variant has not been reported in the literature in individuals affected with ZNF423-related conditions.

NM_001379286.1(ZNF423):c.1721C>T (p.Pro574Leu)

Gene: ZNF423 (zinc finger protein 423; minus strand). Cytogenetic location: 16q12.1.
Variant type: single nucleotide variant.
Coding change: c.1721C>T on transcript NM_001379286.1 (MANE Select); coding-DNA position 1721, C replaced by T.
Protein change: p.Pro574Leu; replaces proline 574 with leucine.
Molecular consequence: missense variant.
Genome position (GRCh38, 1-based): chr16:49,637,455, G>A on the plus strand (C>T on the coding strand, the complement: ZNF423 is on the minus strand). VCF-style: chr16-49637455-G-A. GRCh37 (hg19) VCF-style: chr16-49671366-G-A.
Other names: c.1517C>T, p.Pro506Leu (NM_001271620.2); c.1346C>T, p.Pro449Leu (NM_001330533.2); c.1697C>T, p.Pro566Leu (NM_015069.5); c.1697C>T (NM_015069.2); short protein forms P506L, P566L, P449L, P574L.
Identifiers: ClinVar variation 836313 (VCV000836313.9), dbSNP rs369783460, ClinGen allele CA8046634.